The following is an entry in ClinVar:

NM_006245.4(PPP2R5D):c.1133T>C (p.Val378Ala)

Gene: PPP2R5D (protein phosphatase 2 regulatory subunit B'delta; plus strand). Cytogenetic location: 6p21.1.
Variant type: single nucleotide variant.
Coding change: c.1133T>C on transcript NM_006245.4 (MANE Select); coding-DNA position 1133, T replaced by C.
Protein change: p.Val378Ala; replaces valine 378 with alanine.
Molecular consequence: missense variant.
Genome position (GRCh38, 1-based): chr6:43,009,109, T>C. VCF-style: chr6-43009109-T-C. GRCh37 (hg19) VCF-style: chr6-42976847-T-C.
Other names: c.680T>C, p.Val227Ala (NM_001270476.2); c.1037T>C, p.Val346Ala (NM_180976.3); c.815T>C, p.Val272Ala (NM_180977.3); short protein forms V227A, V272A, V346A, V378A.
Identifiers: ClinVar variation 1802028 (VCV001802028.1), dbSNP rs2532484308, ClinGen allele CA364193352.

ClinVar aggregate classification (germline): Uncertain significance (1 of 4 stars; one submission).

Submission:

GeneDx
Classification: Uncertain significance. Last evaluated: 2022-06-01. Review status: criteria provided, single submitter. Criteria: GeneDx Variant Classification Process June 2021. Collection method: clinical testing. Allele origin: germline. Affected: yes.
Comment: Not observed at significant frequency in large population cohorts (gnomAD); In silico analysis supports that this missense variant has a deleterious effect on protein structure/function; Has not been previously published as pathogenic or benign to our knowledge